The following is an entry in ClinVar:

NM_001172303.3(MASTL):c.1876C>G (p.Pro626Ala)

Gene: MASTL (microtubule associated serine/threonine kinase like; plus strand). Cytogenetic location: 10p12.1.
Variant type: single nucleotide variant.
Coding change: c.1876C>G on transcript NM_001172303.3 (MANE Select); coding-DNA position 1876, C replaced by G.
Protein change: p.Pro626Ala; replaces proline 626 with alanine.
Molecular consequence: missense variant. On other transcripts: non-coding transcript variant (1).
Genome position (GRCh38, 1-based): chr10:27,170,835, C>G. VCF-style: chr10-27170835-C-G. GRCh37 (hg19) VCF-style: chr10-27459764-C-G.
Other names: c.1876C>G, p.Pro626Ala (NM_001172304.3, NM_001320756.2, NM_001320757.2 and 1 more transcripts); c.1393C>G, p.Pro465Ala (NM_001372029.1, NM_001372030.1); short protein forms P465A, P626A.
Identifiers: ClinVar variation 880267 (VCV000880267.4), dbSNP rs145592194, ClinGen allele CA5450298.

ClinVar aggregate classification (germline): Likely benign (1 of 4 stars; one submission).

Conditions:
Thrombocytopenia. Identifiers: MedGen C0040034, MeSH D013921, MONDO:0002049, HP:0001873.

Allele frequency attached by ClinVar (database versions not stated): gnomAD 0.00001; gnomAD exomes 0.00001; TOPMed 0.00001; ExAC 0.00002; 1000 Genomes Project 30x 0.00016; 1000 Genomes Project 0.00020.

Submission:

Illumina Laboratory Services, Illumina
Classification: Likely benign for Thrombocytopenia. Last evaluated: 2018-01-13. Review status: criteria provided, single submitter. Criteria: ICSL Variant Classification Criteria 13 December 2019. Collection method: clinical testing. Allele origin: germline.
Comment: This variant was observed in the ICSL laboratory as part of a predisposition screen in an ostensibly healthy population. It had not been previously curated by ICSL or reported in the Human Gene Mutation Database (HGMD: prior to June 1st, 2018), and was therefore a candidate for classification through an automated scoring system. Utilizing variant allele frequency, disease prevalence and penetrance estimates, and inheritance mode, an automated score was calculated to assess if this variant is too frequent to cause the disease. Based on the score and internal cut-off values, a variant classified as likely benign is not then subjected to further curation. The score for this variant resulted in a classification of likely benign for this disease.